The following is an entry in ClinVar:

ClinVar aggregate classification (germline): Uncertain significance (1 of 4 stars; one submission).

Submission:

Labcorp Genetics (formerly Invitae), Labcorp
Classification: Uncertain significance. Last evaluated: 2025-01-15. Review status: criteria provided, single submitter. Criteria: Invitae Variant Classification Sherloc (09022015). Collection method: clinical testing. Allele origin: germline.
Comment: This sequence change falls in intron 1 of the RDH11 gene. It does not directly change the encoded amino acid sequence of the RDH11 protein. It affects a nucleotide within the consensus splice site. This variant is not present in population databases (gnomAD no frequency). This variant has not been reported in the literature in individuals affected with RDH11-related conditions. ClinVar contains an entry for this variant (Variation ID: 2030271). Variants that disrupt the consensus splice site are a relatively common cause of aberrant splicing (PMID: 17576681, 9536098). Algorithms developed to predict the effect of sequence changes on RNA splicing suggest that this variant is not likely to affect RNA splicing. In summary, the available evidence is currently insufficient to determine the role of this variant in disease. Therefore, it has been classified as a Variant of Uncertain Significance.

Literature cited by the submitters: PubMed 17576681; PubMed 9536098.

NM_016026.4(RDH11):c.74+3C>A

Genes: GPHN (gephyrin; plus strand), RDH11 (retinol dehydrogenase 11; minus strand). Cytogenetic location: 14q24.1.
Variant type: single nucleotide variant.
Coding change: c.74+3C>A on transcript NM_016026.4 (MANE Select); 3 bases into the intron after coding-DNA position 74, C replaced by A.
Molecular consequence: intron variant.
Genome position (GRCh38, 1-based): chr14:67,695,627, G>T on the plus strand (C>A on the coding strand, the complement: RDH11 is on the minus strand). VCF-style: chr14-67695627-G-T. GRCh37 (hg19) VCF-style: chr14-68162344-G-T.
Other names: c.74+3C>A (NM_001252650.2).
Identifiers: ClinVar variation 2030271 (VCV002030271.4), dbSNP rs2503664899, ClinGen allele CA2580088589.
Genomic context (GRCh38, chr14:67,695,627, plus strand): 5'-TCTATGTTTCCCTCCCGCCCCGCAACAAGAATTCTCAAGAGAAGGCAATACATTTGCACA[G>T]ACCTGATTTGGGGCGCAGCCATATACAGAAGGAAGGGCAGAAGGAGGAGCAACAGCGGGA-3'